The following is an entry in ClinVar:

ClinVar aggregate classification (germline): Likely pathogenic (1 of 4 stars; one submission).

Conditions:
Gaucher disease. Also called: Acute cerebral Gaucher disease; Cerebroside lipidosis syndrome; Gaucher splenomegaly; Sphingolipidosis 1; Glucocerebrosidosis; Glucosylceramidase deficiency. Identifiers: Orphanet 355, MedGen C0017205, MONDO:0018150.

Submission:

Natera, Inc.
Classification: Likely pathogenic for Gaucher disease. Last evaluated: 2024-06-10. Review status: criteria provided, single submitter. Criteria: Natera Variant Classification Schema (03/2026). Collection method: clinical testing. Allele origin: germline.
Comment: The c.44T>A variant in GBA1 is a nonsense variant predicted to introduce a stop codon at amino acid 15. This variant is expected to result in nonsense mediated decay, truncation, or a dysfunctional protein product. This variant is rare in the general population with a frequency below the threshold expected for the associated phenotype(s). Given the available evidence, this variant is classified as Likely Pathogenic.

NM_000157.4(GBA1):c.44T>A (p.Leu15Ter)

Gene: GBA1 (glucosylceramidase beta 1; minus strand). Cytogenetic location: 1q22.
Variant type: single nucleotide variant.
Coding change: c.44T>A on transcript NM_000157.4 (MANE Select); coding-DNA position 44, T replaced by A.
Protein change: p.Leu15Ter; replaces leucine 15 with a stop codon.
Molecular consequence: nonsense. On other transcripts: intron variant (1).
Genome position (GRCh38, 1-based): chr1:155,240,701, A>T on the plus strand (T>A on the coding strand, the complement: GBA1 is on the minus strand). VCF-style: chr1-155240701-A-T. GRCh37 (hg19) VCF-style: chr1-155210492-A-T.
Other names: c.44T>A, p.Leu15Ter (NM_001005741.3, NM_001005742.3, NM_001171812.2); c.-146-624T>A (NM_001171811.2); short protein forms L15*.
Identifiers: ClinVar variation 4817764 (VCV004817764.1).